The following is an entry in ClinVar:

NM_000482.4(APOA4):c.460C>T (p.Arg154Trp)

Gene: APOA4 (apolipoprotein A4; minus strand). Cytogenetic location: 11q23.3.
Variant type: single nucleotide variant.
Coding change: c.460C>T on transcript NM_000482.4 (MANE Select); coding-DNA position 460, C replaced by T.
Protein change: p.Arg154Trp; replaces arginine 154 with tryptophan.
Molecular consequence: missense variant.
Genome position (GRCh38, 1-based): chr11:116,821,598, G>A on the plus strand (C>T on the coding strand, the complement: APOA4 is on the minus strand). VCF-style: chr11-116821598-G-A. GRCh37 (hg19) VCF-style: chr11-116692314-G-A.
Other names: short protein forms R154W.
Identifiers: ClinVar variation 1979140 (VCV001979140.4), dbSNP rs150633651, ClinGen allele CA6289421.

ClinVar aggregate classification (germline): Uncertain significance (1 of 4 stars; one submission).

Allele frequency attached by ClinVar (database versions not stated): gnomAD 0.00002; ESP Exome Variant Server 0.00015.

Submission:

Labcorp Genetics (formerly Invitae), Labcorp
Classification: Uncertain significance. Last evaluated: 2022-10-07. Review status: criteria provided, single submitter. Criteria: Invitae Variant Classification Sherloc (09022015). Collection method: clinical testing. Allele origin: germline.
Comment: This sequence change replaces arginine, which is basic and polar, with tryptophan, which is neutral and slightly polar, at codon 154 of the APOA4 protein (p.Arg154Trp). This variant is present in population databases (rs150633651, gnomAD 0.01%). This variant has not been reported in the literature in individuals affected with APOA4-related conditions. Advanced modeling of protein sequence and biophysical properties (such as structural, functional, and spatial information, amino acid conservation, physicochemical variation, residue mobility, and thermodynamic stability) performed at Invitae indicates that this missense variant is expected to disrupt APOA4 protein function. In summary, the available evidence is currently insufficient to determine the role of this variant in disease. Therefore, it has been classified as a Variant of Uncertain Significance.